The following is an entry in ClinVar:

NM_001371928.1(AHDC1):c.3135del (p.Phe1046fs)

Gene: AHDC1 (AT-hook DNA binding motif containing 1; minus strand). Cytogenetic location: 1p36.11.
Variant type: Deletion.
Coding change: c.3135del on transcript NM_001371928.1 (MANE Select); coding-DNA position 3135, one base deleted (C; older notation c.3135delC).
Protein change: p.Phe1046fs; shifts the reading frame from phenylalanine 1046.
Molecular consequence: frameshift variant.
Genome position (GRCh38, 1-based): chr1:27,548,981, G deleted on the plus strand (C on the coding strand, the reverse complement: AHDC1 is on the minus strand); the first of 5 consecutive G bases (chr1:27,548,981-27,548,985); deleting any one gives the same sequence. VCF-style (leftmost placement, unchanged base first): chr1-27548980-AG-A. GRCh37 (hg19) VCF-style: chr1-27875491-AG-A.
Other names: c.3135del, p.Phe1046fs (NM_001029882.3); short protein forms F1046fs.
Identifiers: ClinVar variation 3654158 (VCV003654158.2).

ClinVar aggregate classification (germline): Pathogenic (1 of 4 stars; one submission).

Submission:

Labcorp Genetics (formerly Invitae), Labcorp
Classification: Pathogenic. Last evaluated: 2024-05-22. Review status: criteria provided, single submitter. Criteria: Invitae Variant Classification Sherloc (09022015). Collection method: clinical testing. Allele origin: germline.
Comment: This sequence change creates a premature translational stop signal (p.Phe1046Serfs*96) in the AHDC1 gene. It is expected to result in an absent or disrupted protein product. Loss-of-function variants in AHDC1 are known to be pathogenic (PMID: 24791903, 27148574). This variant is not present in population databases (gnomAD no frequency). This variant has not been reported in the literature in individuals affected with AHDC1-related conditions. For these reasons, this variant has been classified as Pathogenic.

Literature cited by the submitters: PubMed 24791903; PubMed 27148574.